The following is an entry in ClinVar:

ClinVar aggregate classification (germline): Benign/Likely benign. Review status: criteria provided, multiple submitters, no conflicts (2 of 4 stars). 8 submissions from 8 submitters: Benign (6); Likely benign (2). Last evaluated 2026-01-28.

Conditions:
Xanthinuria type II. Also called: Xanthine dehydrogenase and aldehyde oxidase combined deficiency of; XDH and AOX dual deficiency. Identifiers: Orphanet 3467, Orphanet 93602, MedGen C1863688, MONDO:0011346, OMIM 603592.
Hereditary xanthinuria type 1 (XAN1). Identifiers: Orphanet 3467, Orphanet 93601, MedGen C0268118, MONDO:0010209, OMIM 278300.

Allele frequency attached by ClinVar (database versions not stated): gnomAD exomes 0.03384 and 0.03439; ExAC 0.03506; 1000 Genomes Project 0.05192; 1000 Genomes Project 30x 0.05309; gnomAD 0.05498 and 0.05740; TOPMed 0.05690; ESP Exome Variant Server 0.06166.
gnomAD v4.1: 58,759 of 1,613,932 alleles (3.6%); highest among the groups gnomAD compares: African/African-American, 12%; 1,453 homozygotes.

Submissions (8):

Labcorp Genetics (formerly Invitae), Labcorp
Classification: Benign for Xanthinuria type II. Last evaluated: 2026-01-28. Review status: criteria provided, single submitter. Criteria: Invitae Variant Classification Sherloc (09022015). Collection method: clinical testing. Allele origin: germline.

Blueprint Genetics
Classification: Benign. Last evaluated: 2024-11-26. Review status: criteria provided, single submitter. Criteria: ACMG Guidelines, 2015. Collection method: clinical testing. Allele origin: germline.

Mayo Clinic Laboratories, Mayo Clinic
Classification: Benign. Last evaluated: 2023-01-09. Review status: criteria provided, single submitter. Criteria: ACMG Guidelines, 2015. Collection method: clinical testing. Allele origin: germline. Observed: 13 variant alleles.
Comment: BA1, BP4

Genome-Nilou Lab
Classification: Benign for Hereditary xanthinuria type 1. Last evaluated: 2021-12-05. Review status: criteria provided, single submitter. Criteria: ACMG Guidelines, 2015. Collection method: clinical testing. Allele origin: germline. Affected: no.

GeneDx
Classification: Benign. Last evaluated: 2020-06-16. Review status: criteria provided, single submitter. Criteria: GeneDx Variant Classification Process June 2021. Collection method: clinical testing. Allele origin: germline. Affected: yes.
Comment: This variant is associated with the following publications: (PMID: 27703193, 18300946)

Illumina Laboratory Services, Illumina
Classification: Likely benign for Hereditary xanthinuria type 1. Last evaluated: 2017-04-27. Review status: criteria provided, single submitter. Criteria: ICSL Variant Classification Criteria 13 December 2019. Collection method: clinical testing. Allele origin: germline.
Comment: This variant was observed as part of a predisposition screen in an ostensibly healthy population. A literature search was performed for the gene, cDNA change, and amino acid change (where applicable). Publications were found based on this search. The evidence from the literature, in combination with allele frequency data from public databases where available, was sufficient to determine this variant is unlikely to cause disease. Therefore, this variant is classified as likely benign.

Breakthrough Genomics
Classification: Likely benign. Review status: criteria provided, single submitter. Criteria: ACMG Guidelines, 2015. Collection method: not provided. Allele origin: germline. Inheritance: Autosomal recessive inheritance. Affected: yes.

PreventionGenetics, part of Exact Sciences
Classification: Benign. Review status: criteria provided, single submitter. Criteria: ACMG Guidelines, 2015. Collection method: clinical testing. Allele origin: germline.

Literature cited by the submitters: PubMed 18300946 (cited by Mayo Clinic Laboratories, Mayo Clinic and Illumina Laboratory Services, Illumina).

NM_000379.4(XDH):c.2107A>G (p.Ile703Val)

Gene: XDH (xanthine dehydrogenase; minus strand). Cytogenetic location: 2p23.1.
Variant type: single nucleotide variant.
Coding change: c.2107A>G on transcript NM_000379.4 (MANE Select); coding-DNA position 2107, A replaced by G.
Protein change: p.Ile703Val; replaces isoleucine 703 with valine.
Molecular consequence: missense variant.
Genome position (GRCh38, 1-based): chr2:31,368,051, T>C on the plus strand (A>G on the coding strand, the complement: XDH is on the minus strand). VCF-style: chr2-31368051-T-C. GRCh37 (hg19) VCF-style: chr2-31590917-T-C.
Other names: short protein forms I703V.
Identifiers: ClinVar variation 255966 (VCV000255966.20), dbSNP rs17011368, ClinGen allele CA1598939.